The following is an entry in ClinVar:

NM_002161.6(IARS1):c.1262A>G (p.Asn421Ser)

Gene: IARS1 (isoleucyl-tRNA synthetase 1; minus strand). Cytogenetic location: 9q22.31.
Variant type: single nucleotide variant.
Coding change: c.1262A>G on transcript NM_002161.6 (MANE Select); coding-DNA position 1262, A replaced by G.
Protein change: p.Asn421Ser; replaces asparagine 421 with serine.
Molecular consequence: missense variant. On other transcripts: non-coding transcript variant (1).
Genome position (GRCh38, 1-based): chr9:92,269,927, T>C on the plus strand (A>G on the coding strand, the complement: IARS1 is on the minus strand). VCF-style: chr9-92269927-T-C. GRCh37 (hg19) VCF-style: chr9-95032209-T-C.
Other names: c.1262A>G, p.Asn421Ser (NM_001374299.1, NM_001374300.1, NM_001374301.1 and 14 more transcripts); c.1325A>G, p.Asn442Ser (NM_001378569.1); c.1283A>G, p.Asn428Ser (NM_001378571.1); c.1139A>G, p.Asn380Ser (NM_001378583.1); short protein forms N421S, N442S, N380S, N428S.
Identifiers: ClinVar variation 2054121 (VCV002054121.1), dbSNP rs150033498, ClinGen allele CA5122679.

ClinVar aggregate classification (germline): Uncertain significance (1 of 4 stars; one submission).

Allele frequency attached by ClinVar (database versions not stated): gnomAD exomes 0.00001; ExAC 0.00002; gnomAD 0.00002; TOPMed 0.00003; ESP Exome Variant Server 0.00008.

Submission:

Labcorp Genetics (formerly Invitae), Labcorp
Classification: Uncertain significance. Last evaluated: 2022-07-02. Review status: criteria provided, single submitter. Criteria: Invitae Variant Classification Sherloc (09022015). Collection method: clinical testing. Allele origin: germline.
Comment: This sequence change replaces asparagine, which is neutral and polar, with serine, which is neutral and polar, at codon 421 of the IARS protein (p.Asn421Ser). This variant is present in population databases (rs150033498, gnomAD 0.009%). This variant has not been reported in the literature in individuals affected with IARS-related conditions. Algorithms developed to predict the effect of missense changes on protein structure and function (SIFT, PolyPhen-2, Align-GVGD) all suggest that this variant is likely to be tolerated. In summary, the available evidence is currently insufficient to determine the role of this variant in disease. Therefore, it has been classified as a Variant of Uncertain Significance.